The following is an entry in ClinVar:

ClinVar aggregate classification (germline): Uncertain significance (1 of 4 stars; one submission).

Conditions:
Hereditary diffuse gastric adenocarcinoma (HDGC). Also called: DIFFUSE GASTRIC AND LOBULAR BREAST CANCER SYNDROME. Identifiers: Orphanet 26106, MedGen C1708349, MONDO:0007648, OMIM 137215.

Submission:

Labcorp Genetics (formerly Invitae), Labcorp
Classification: Uncertain significance for Hereditary diffuse gastric adenocarcinoma. Last evaluated: 2022-02-11. Review status: criteria provided, single submitter. Criteria: Invitae Variant Classification Sherloc (09022015). Collection method: clinical testing. Allele origin: germline.
Comment: Algorithms developed to predict the effect of missense changes on protein structure and function (SIFT, PolyPhen-2, Align-GVGD) all suggest that this variant is likely to be disruptive. This variant has not been reported in the literature in individuals affected with CDH1-related conditions. This variant is not present in population databases (gnomAD no frequency). This sequence change replaces lysine, which is basic and polar, with asparagine, which is neutral and polar, at codon 153 of the CDH1 protein (p.Lys153Asn). In summary, the available evidence is currently insufficient to determine the role of this variant in disease. Therefore, it has been classified as a Variant of Uncertain Significance.

NM_004360.5(CDH1):c.459G>T (p.Lys153Asn)

Gene: CDH1 (cadherin 1; plus strand). Cytogenetic location: 16q22.1.
Variant type: single nucleotide variant.
Coding change: c.459G>T on transcript NM_004360.5 (MANE Select); coding-DNA position 459, G replaced by T.
Protein change: p.Lys153Asn; replaces lysine 153 with asparagine.
Molecular consequence: missense variant. On other transcripts: 5 prime UTR variant (2).
Genome position (GRCh38, 1-based): chr16:68,808,495, G>T. VCF-style: chr16-68808495-G-T. GRCh37 (hg19) VCF-style: chr16-68842398-G-T.
Other names: c.459G>T, p.Lys153Asn (NM_001317184.2); c.-1157G>T (NM_001317185.2); c.-1361G>T (NM_001317186.2); short protein forms K153N.
Identifiers: ClinVar variation 2096832 (VCV002096832.4), dbSNP rs2152129712, ClinGen allele CA396457661.